The following is an entry in ClinVar:

ClinVar aggregate classification (germline): Uncertain significance. Review status: criteria provided, multiple submitters, no conflicts (2 of 4 stars). 2 submissions from 2 submitters: Uncertain significance (2). Last evaluated 2025-07-30.

Conditions:
RAI1-related disorder. Also called: RAI1-related condition.

Allele frequency attached by ClinVar (database versions not stated): gnomAD 0.00001; TOPMed 0.00001.
gnomAD v4.1: 33 of 1,612,876 alleles (0.002%); highest among the groups gnomAD compares: Non-Finnish European, 0.0027%; no homozygotes.

Submissions (2):

Labcorp Genetics (formerly Invitae), Labcorp
Classification: Uncertain significance. Last evaluated: 2025-07-30. Review status: criteria provided, single submitter. Criteria: Invitae Variant Classification Sherloc (09022015). Collection method: clinical testing. Allele origin: germline.
Comment: This sequence change replaces proline, which is neutral and non-polar, with arginine, which is basic and polar, at codon 135 of the RAI1 protein (p.Pro135Arg). This variant is not present in population databases (gnomAD no frequency). This variant has not been reported in the literature in individuals affected with RAI1-related conditions. ClinVar contains an entry for this variant (Variation ID: 2417740). Invitae Evidence Modeling of protein sequence and biophysical properties (such as structural, functional, and spatial information, amino acid conservation, physicochemical variation, residue mobility, and thermodynamic stability) indicates that this missense variant is not expected to disrupt RAI1 protein function with a negative predictive value of 80%. In summary, the available evidence is currently insufficient to determine the role of this variant in disease. Therefore, it has been classified as a Variant of Uncertain Significance.

PreventionGenetics, part of Exact Sciences
Classification: Uncertain significance for RAI1-related condition. Last evaluated: 2025-05-30. Review status: criteria provided, single submitter. Criteria: ACMG Guidelines, 2015. Collection method: clinical testing. Allele origin: germline.
Comment: The RAI1 c.404C>G variant is predicted to result in the amino acid substitution p.Pro135Arg. To our knowledge, this variant has not been reported in the literature or in a large population database, indicating this variant is rare. At this time, the clinical significance of this variant is uncertain due to the absence of conclusive functional and genetic evidence.

NM_030665.4(RAI1):c.404C>G (p.Pro135Arg)

Gene: RAI1 (retinoic acid induced 1; plus strand). Cytogenetic location: 17p11.2.
Variant type: single nucleotide variant.
Coding change: c.404C>G on transcript NM_030665.4 (MANE Select); coding-DNA position 404, C replaced by G.
Protein change: p.Pro135Arg; replaces proline 135 with arginine.
Molecular consequence: missense variant.
Genome position (GRCh38, 1-based): chr17:17,793,352, C>G. VCF-style: chr17-17793352-C-G. GRCh37 (hg19) VCF-style: chr17-17696666-C-G.
Other names: c.404C>G (NM_030665.3); short protein forms P135R.
Identifiers: ClinVar variation 2417740 (VCV002417740.7), dbSNP rs970955223, ClinGen allele CA288367011.